The following is an entry in ClinVar:

ClinVar aggregate classification (germline): Pathogenic/Likely pathogenic. Review status: criteria provided, multiple submitters, no conflicts (2 of 4 stars). 2 submissions from 2 submitters: Pathogenic (1); Likely pathogenic (1). Last evaluated 2025-05-29.

gnomAD v4.1: 5 of 1,613,916 alleles (0.00031%); highest among the groups gnomAD compares: Non-Finnish European, 0.00042%; no homozygotes.

Submissions (2):

Dasa
Classification: Likely pathogenic. Last evaluated: 2025-05-29. Review status: criteria provided, single submitter. Criteria: DASA Assertion Criteria. Collection method: clinical testing. Allele origin: germline.
Comment: NM_001012339.3(DNAJC21):c.661C>T (p.Arg221*) is a nonsense variant in DNAJC21 predicted to introduce a premature termination codon and is predicted to result in an absent or altered protein product. Loss of function is an established disease mechanism for DNAJC21-associated disorders. Also, this variant is rare in population databases. Based on the currently available evidence, this variant is classified as likely pathogenic.

Labcorp Genetics (formerly Invitae), Labcorp
Classification: Pathogenic. Last evaluated: 2023-06-15. Review status: criteria provided, single submitter. Criteria: Invitae Variant Classification Sherloc (09022015). Collection method: clinical testing. Allele origin: germline.
Comment: This sequence change creates a premature translational stop signal (p.Arg221*) in the DNAJC21 gene. It is expected to result in an absent or disrupted protein product. Loss-of-function variants in DNAJC21 are known to be pathogenic (PMID: 27346687, 28062395). For these reasons, this variant has been classified as Pathogenic. This variant has not been reported in the literature in individuals affected with DNAJC21-related conditions. This variant is present in population databases (no rsID available, gnomAD 0.007%).

Literature cited by the submitters: PubMed 27346687 (cited by Labcorp Genetics (formerly Invitae), Labcorp); PubMed 28062395 (cited by Labcorp Genetics (formerly Invitae), Labcorp).

NM_001012339.3(DNAJC21):c.661C>T (p.Arg221Ter)

Gene: DNAJC21 (DnaJ heat shock protein family (Hsp40) member C21; plus strand). Cytogenetic location: 5p13.2.
Variant type: single nucleotide variant.
Coding change: c.661C>T on transcript NM_001012339.3 (MANE Select); coding-DNA position 661, C replaced by T.
Protein change: p.Arg221Ter; replaces arginine 221 with a stop codon.
Molecular consequence: nonsense.
Genome position (GRCh38, 1-based): chr5:34,937,548, C>T. VCF-style: chr5-34937548-C-T. GRCh37 (hg19) VCF-style: chr5-34937653-C-T.
Other names: c.661C>T, p.Arg221Ter (NM_001348420.2, NM_194283.4); short protein forms R221*.
Identifiers: ClinVar variation 2974424 (VCV002974424.5), dbSNP rs1420750905, ClinGen allele CA359415535.